The following is an entry in ClinVar:

ClinVar aggregate classification (germline): Uncertain significance (1 of 4 stars; one submission).

Submission:

Labcorp Genetics (formerly Invitae), Labcorp
Classification: Uncertain significance. Last evaluated: 2025-01-05. Review status: criteria provided, single submitter. Criteria: Invitae Variant Classification Sherloc (09022015). Collection method: clinical testing. Allele origin: germline.
Comment: This sequence change replaces proline, which is neutral and non-polar, with alanine, which is neutral and non-polar, at codon 35 of the AHDC1 protein (p.Pro35Ala). This variant is not present in population databases (gnomAD no frequency). This variant has not been reported in the literature in individuals affected with AHDC1-related conditions. An algorithm developed to predict the effect of missense changes on protein structure and function (PolyPhen-2) suggests that this variant is likely to be disruptive. In summary, the available evidence is currently insufficient to determine the role of this variant in disease. Therefore, it has been classified as a Variant of Uncertain Significance.

NM_001371928.1(AHDC1):c.103C>G (p.Pro35Ala)

Gene: AHDC1 (AT-hook DNA binding motif containing 1; minus strand). Cytogenetic location: 1p36.11.
Variant type: single nucleotide variant.
Coding change: c.103C>G on transcript NM_001371928.1 (MANE Select); coding-DNA position 103, C replaced by G.
Protein change: p.Pro35Ala; replaces proline 35 with alanine.
Molecular consequence: missense variant.
Genome position (GRCh38, 1-based): chr1:27,552,013, G>C on the plus strand (C>G on the coding strand, the complement: AHDC1 is on the minus strand). VCF-style: chr1-27552013-G-C. GRCh37 (hg19) VCF-style: chr1-27878524-G-C.
Other names: c.103C>G, p.Pro35Ala (NM_001029882.3); short protein forms P35A.
Identifiers: ClinVar variation 3623083 (VCV003623083.2).